The following is an entry in ClinVar:

ClinVar aggregate classification (germline): Likely benign. Review status: criteria provided, single submitter (1 of 4 stars). 2 submissions from 2 submitters: Likely benign (1). 1 of the submissions does not count toward it. Last evaluated 2024-09-23.

Conditions:
Charcot-Marie-Tooth disease axonal type 2C (HMSN2C). Also called: Charcot-Marie-Tooth Disease Type 2, TRPV4-Related (CMT2C); CHARCOT-MARIE-TOOTH DISEASE, AXONAL, AUTOSOMAL DOMINANT, TYPE 2C; Charcot-Marie-Tooth Neuropathy Type 2C. Identifiers: Orphanet 99937, MedGen C1853710, MONDO:0011633, OMIM 606071.
TRPV4-related disorder. Also called: TRPV4-related condition; TRPV4-related disorders.

Allele frequency attached by ClinVar (database versions not stated): gnomAD exomes below 0.00001; TOPMed below 0.00001; gnomAD 0.00001.
gnomAD v4.1: 3 of 1,613,922 alleles (0.00019%); highest among the groups gnomAD compares: Admixed American, 0.005%; no homozygotes.

Submissions (2):

Labcorp Genetics (formerly Invitae), Labcorp
Classification: Likely benign for Charcot-Marie-Tooth disease axonal type 2C. Last evaluated: 2024-09-23. Review status: criteria provided, single submitter. Criteria: Invitae Variant Classification Sherloc (09022015). Collection method: clinical testing. Allele origin: germline.

PreventionGenetics, part of Exact Sciences
Classification: Likely benign for TRPV4-related condition. Last evaluated: 2023-10-31. Review status: no assertion criteria provided. Collection method: clinical testing. Allele origin: germline. Not counted in ClinVar's aggregate classification.
Comment: This variant is classified as likely benign based on ACMG/AMP sequence variant interpretation guidelines (Richards et al. 2015 PMID: 25741868, with internal and published modifications).

NM_021625.5(TRPV4):c.1053C>G (p.Leu351=)

Gene: TRPV4 (transient receptor potential cation channel subfamily V member 4; minus strand). Cytogenetic location: 12q24.11.
Variant type: single nucleotide variant.
Coding change: c.1053C>G on transcript NM_021625.5 (MANE Select); coding-DNA position 1053, C replaced by G.
Protein change: p.Leu351=; no amino-acid change (leucine 351 retained).
Molecular consequence: synonymous variant.
Genome position (GRCh38, 1-based): chr12:109,798,713, G>C on the plus strand (C>G on the coding strand, the complement: TRPV4 is on the minus strand). VCF-style: chr12-109798713-G-C. GRCh37 (hg19) VCF-style: chr12-110236518-G-C.
Other names: c.951C>G, p.Leu317= (NM_001177431.2); c.912C>G, p.Leu304= (NM_001177433.2, NM_001177428.2); c.1053C>G, p.Leu351= (NM_147204.3).
Identifiers: ClinVar variation 1649697 (VCV001649697.10), dbSNP rs1890580285, ClinGen allele CA481867339.